The following is an entry in ClinVar:

NM_005881.4(BCKDK):c.846-3T>C

Gene: BCKDK (branched chain keto acid dehydrogenase kinase; plus strand). Cytogenetic location: 16p11.2.
Variant type: single nucleotide variant.
Coding change: c.846-3T>C on transcript NM_005881.4 (MANE Select); 3 bases into the intron before coding-DNA position 846, T replaced by C.
Molecular consequence: intron variant.
Genome position (GRCh38, 1-based): chr16:31,111,297, T>C. VCF-style: chr16-31111297-T-C. GRCh37 (hg19) VCF-style: chr16-31122618-T-C.
Other names: c.846-3T>C (NM_001122957.4); c.845+78T>C (NM_001271926.3).
Identifiers: ClinVar variation 1057562 (VCV001057562.4), dbSNP rs118042732, ClinGen allele CA8021717.

ClinVar aggregate classification (germline): Uncertain significance (1 of 4 stars; one submission).

Conditions:
Branched-chain keto acid dehydrogenase kinase deficiency (BCKDKD). Also called: BCKDK DEFICIENCY. Identifiers: Orphanet 308410, MedGen C3554078, MONDO:0013970, OMIM 614923.

Allele frequency attached by ClinVar (database versions not stated): 1000 Genomes Project 30x 0.00016; 1000 Genomes Project 0.00020.
gnomAD v4.1: 68 of 1,614,132 alleles (0.0042%); highest among the groups gnomAD compares: Admixed American, 0.08%; no homozygotes.

Submission:

Labcorp Genetics (formerly Invitae), Labcorp
Classification: Uncertain significance for Branched-chain keto acid dehydrogenase kinase deficiency. Last evaluated: 2020-10-12. Review status: criteria provided, single submitter. Criteria: Invitae Variant Classification Sherloc (09022015). Collection method: clinical testing. Allele origin: germline.
Comment: This sequence change falls in intron 9 of the BCKDK gene. It does not directly change the encoded amino acid sequence of the BCKDK protein, but it affects a nucleotide within the consensus splice site of the intron. This variant is present in population databases (rs118042732, ExAC 0.1%). This variant has not been reported in the literature in individuals with BCKDK-related conditions. Nucleotide substitutions within the consensus splice site are a relatively common cause of aberrant splicing (PMID: 17576681, 9536098). Algorithms developed to predict the effect of sequence changes on RNA splicing suggest that this variant is not likely to affect RNA splicing, but this prediction has not been confirmed by published transcriptional studies. In summary, the available evidence is currently insufficient to determine the role of this variant in disease. Therefore, it has been classified as a Variant of Uncertain Significance.

Literature cited by the submitters: PubMed 17576681; PubMed 9536098.